The following is an entry in ClinVar:

NM_000051.4(ATM):c.7064T>A (p.Val2355Asp)

Genes: ATM (ATM serine/threonine kinase; plus strand), C11orf65 (chromosome 11 open reading frame 65; minus strand). Cytogenetic location: 11q22.3.
Variant type: single nucleotide variant.
Coding change: c.7064T>A on transcript NM_000051.4 (MANE Select); coding-DNA position 7064, T replaced by A.
Protein change: p.Val2355Asp; replaces valine 2355 with aspartic acid.
Molecular consequence: missense variant. On other transcripts: intron variant (2).
Genome position (GRCh38, 1-based): chr11:108,327,733, T>A. VCF-style: chr11-108327733-T-A. GRCh37 (hg19) VCF-style: chr11-108198460-T-A.
Other names: c.7064T>A, p.Val2355Asp (NM_001351834.2); c.641-18662A>T (NM_001330368.2); c.*38+7487A>T (NM_001351110.2); short protein forms V2355D.
Identifiers: ClinVar variation 826809 (VCV000826809.24), dbSNP rs1197214197, ClinGen allele CA382559047.

ClinVar aggregate classification (germline): Uncertain significance. Review status: criteria provided, multiple submitters, no conflicts (2 of 4 stars). 4 submissions from 4 submitters: Uncertain significance (3). 1 of the submissions does not count toward it. Last evaluated 2025-11-10.

Conditions:
Familial cancer of breast. Also called: Hereditary breast cancer; BREAST CANCER, FAMILIAL; hereditary breast carcinoma. Identifiers: Orphanet 227535, MedGen C0346153, MONDO:0016419, OMIM 114480. Disease mechanism: loss of function.
Hereditary cancer-predisposing syndrome. Also called: Tumor predisposition; Neoplastic Syndromes, Hereditary; Hereditary Cancer Syndrome; Hereditary neoplastic syndrome. Identifiers: Orphanet 140162, MedGen C0027672, MeSH D009386, MONDO:0015356.
Ataxia-telangiectasia syndrome (AT). Also called: ATAXIA-TELANGIECTASIA, COMPLEMENTATION GROUP A; ATAXIA-TELANGIECTASIA, FRESNO VARIANT; Ataxia-telangiectasia; Ataxia-telangiectasia, complementation group D; AT, COMPLEMENTATION GROUP C; Ataxia-telangiectasia, complementation group E. Identifiers: Orphanet 100, MedGen C0004135, MONDO:0008840, OMIM 208900.

Allele frequency attached by ClinVar (database versions not stated): gnomAD exomes below 0.00001.
gnomAD v4.1: 1 of 1,613,988 alleles (0.000062%); highest among the groups gnomAD compares: East Asian, 0.0022%; no homozygotes.

Submissions (4):

Labcorp Genetics (formerly Invitae), Labcorp
Classification: Uncertain significance for Ataxia-telangiectasia syndrome. Last evaluated: 2025-11-10. Review status: criteria provided, single submitter. Criteria: Invitae Variant Classification Sherloc (09022015). Collection method: clinical testing. Allele origin: germline.
Comment: This sequence change replaces valine, which is neutral and non-polar, with aspartic acid, which is acidic and polar, at codon 2355 of the ATM protein (p.Val2355Asp). This variant is present in population databases (no rsID available, gnomAD 0.006%). This variant has not been reported in the literature in individuals affected with ATM-related conditions. ClinVar contains an entry for this variant (Variation ID: 826809). Invitae Evidence Modeling of protein sequence and biophysical properties (such as structural, functional, and spatial information, amino acid conservation, physicochemical variation, residue mobility, and thermodynamic stability) has been performed for this missense variant. However, the output from this modeling did not meet the statistical confidence thresholds required to predict the impact of this variant on ATM protein function. In summary, the available evidence is currently insufficient to determine the role of this variant in disease. Therefore, it has been classified as a Variant of Uncertain Significance.

Baylor Genetics
Classification: Uncertain significance for Familial cancer of breast. Last evaluated: 2023-06-26. Review status: criteria provided, single submitter. Criteria: ACMG Guidelines, 2015. Collection method: clinical testing. Allele origin: unknown.

Ambry Genetics
Classification: Uncertain significance for Hereditary cancer-predisposing syndrome. Last evaluated: 2022-12-25. Review status: criteria provided, single submitter. Criteria: Ambry Variant Classification Scheme 2023. Collection method: clinical testing. Allele origin: germline.
Comment: The p.V2355D variant (also known as c.7064T>A), located in coding exon 47 of the ATM gene, results from a T to A substitution at nucleotide position 7064. The valine at codon 2355 is replaced by aspartic acid, an amino acid with highly dissimilar properties. This amino acid position is highly conserved in available vertebrate species. In addition, the in silico prediction for this alteration is inconclusive. Since supporting evidence is limited at this time, the clinical significance of this alteration remains unclear.

Natera, Inc.
Classification: Uncertain significance for Ataxia-telangiectasia. Last evaluated: 2021-02-19. Review status: no assertion criteria provided. Collection method: clinical testing. Allele origin: germline. Not counted in ClinVar's aggregate classification.